The following is an entry in ClinVar:

NM_001451.3(FOXF1):c.260dup (p.Ser88fs)

Gene: FOXF1 (forkhead box F1; plus strand). Cytogenetic location: 16q24.1.
Variant type: Duplication.
Coding change: c.260dup on transcript NM_001451.3 (MANE Select); coding-DNA position 260, one base duplicated (G; older notation c.260dupG).
Protein change: p.Ser88fs; shifts the reading frame from serine 88.
Molecular consequence: frameshift variant.
Genome position (GRCh38, 1-based): chr16:86,510,829, G duplicated; the last of 4 consecutive G bases (chr16:86,510,826-86,510,829); duplicating any one gives the same sequence. VCF-style (leftmost placement, unchanged base first): chr16-86510825-C-CG. GRCh37 (hg19) VCF-style: chr16-86544431-C-CG.
Other names: short protein forms S88fs.
Identifiers: ClinVar variation 1708313 (VCV001708313.3), dbSNP rs2507450479, ClinGen allele CA2580092190.

ClinVar aggregate classification (germline): Pathogenic/Likely pathogenic. Review status: criteria provided, multiple submitters, no conflicts (2 of 4 stars). 2 submissions from 2 submitters: Pathogenic (1); Likely pathogenic (1). Last evaluated 2021-12-10.

Conditions:
FOXF1-related disorders.

Submissions (2):

Centre of Medical Genetics, University Hospital Muenster
Classification: Pathogenic. Last evaluated: 2021-12-10. Review status: criteria provided, single submitter. Criteria: ACMG Guidelines, 2015. Collection method: clinical testing. Allele origin: de novo. Affected: yes. Observed: 1 variant allele, 1 heterozygote.
Comment: ACMG categories: PVS1,PS2,PM2

Blueprint Genetics
Classification: Likely pathogenic for FOXF1-related disorders. Last evaluated: 2019-02-06. Review status: criteria provided, single submitter. Criteria: ACMG Guidelines, 2015. Collection method: clinical testing. Allele origin: germline. Affected: yes. Observed: 1 variant allele.